The following is an entry in ClinVar:

NM_031942.5(CDCA7):c.384+2T>C

Gene: CDCA7 (cell division cycle associated 7; plus strand). Cytogenetic location: 2q31.1.
Variant type: single nucleotide variant.
Coding change: c.384+2T>C on transcript NM_031942.5 (MANE Select); the canonical splice donor site of the intron after coding-DNA position 384, T replaced by C.
Molecular consequence: splice donor variant. On other transcripts: intron variant (1).
Genome position (GRCh38, 1-based): chr2:173,359,493, T>C. VCF-style: chr2-173359493-T-C. GRCh37 (hg19) VCF-style: chr2-174224221-T-C.
Other names: c.147+656T>C (NM_145810.3).
Identifiers: ClinVar variation 2183723 (VCV002183723.2), dbSNP rs1029449817, ClinGen allele CA60775646.

ClinVar aggregate classification (germline): Uncertain significance. Review status: criteria provided, multiple submitters, no conflicts (2 of 4 stars). 2 submissions from 2 submitters: Uncertain significance (2). Last evaluated 2025-07-17.

Allele frequency attached by ClinVar (database versions not stated): gnomAD exomes 0.00001.
gnomAD v4.1: 11 of 1,610,482 alleles (0.00068%); highest among the groups gnomAD compares: South Asian, 0.0066%; no homozygotes.

Submissions (2):

Women's Health and Genetics/Laboratory Corporation of America, LabCorp
Classification: Uncertain significance. Last evaluated: 2025-07-17. Review status: criteria provided, single submitter. Criteria: LabCorp Variant Classification Summary - May 2015. Collection method: clinical testing. Allele origin: germline.
Comment: Variant summary: CDCA7 c.384+2T>C is located in a canonical splice-site and is predicted to affect mRNA splicing resulting in a significantly altered protein due to either exon skipping, shortening, or inclusion of intronic material. Variants that disrupt the consensus splice site are a relatively common cause of aberrant splicing, however current evidence is not sufficient to establish loss of function as a mechanism for disease. Several computational tools predict a significant impact on normal splicing: Three predict the variant abolishes a canonical 5' splicing donor site and one predicts the variant weakens this site. However, these predictions have yet to be confirmed by functional studies. The variant allele was found at a frequency of 4e-06 in 251132 control chromosomes (gnomAD). The available data on variant occurrences in the general population are insufficient to allow any conclusion about variant significance. To our knowledge, no occurrence of c.384+2T>C in individuals affected with ICF Syndrome, Type 3 and no experimental evidence demonstrating its impact on protein function have been reported. ClinVar contains an entry for this variant (Variation ID: 2183723). Based on the evidence outlined above, the variant was classified as uncertain significance.

Labcorp Genetics (formerly Invitae), Labcorp
Classification: Uncertain significance. Last evaluated: 2021-12-12. Review status: criteria provided, single submitter. Criteria: Invitae Variant Classification Sherloc (09022015). Collection method: clinical testing. Allele origin: germline.
Comment: This sequence change affects a donor splice site in intron 3 of the CDCA7 gene. It is expected to disrupt RNA splicing. Variants that disrupt the donor or acceptor splice site typically lead to a loss of protein function (PMID: 16199547), however the current clinical and genetic evidence is not sufficient to establish whether loss-of-function variants in CDCA7 cause disease. This variant is present in population databases (no rsID available, gnomAD 0.003%). This variant has not been reported in the literature in individuals affected with CDCA7-related conditions. Algorithms developed to predict the effect of sequence changes on RNA splicing suggest that this variant may disrupt the consensus splice site. In summary, the available evidence is currently insufficient to determine the role of this variant in disease. Therefore, it has been classified as a Variant of Uncertain Significance.

Literature cited by the submitters: PubMed 16199547 (cited by Labcorp Genetics (formerly Invitae), Labcorp).